The following is an entry in ClinVar:

NM_000059.4(BRCA2):c.1021T>C (p.Cys341Arg)

Gene: BRCA2 (BRCA2 DNA repair associated; plus strand). Cytogenetic location: 13q13.1.
Variant type: single nucleotide variant.
Coding change: c.1021T>C on transcript NM_000059.4 (MANE Select); coding-DNA position 1021, T replaced by C.
Protein change: p.Cys341Arg; replaces cysteine 341 with arginine.
Molecular consequence: missense variant.
Genome position (GRCh38, 1-based): chr13:32,332,499, T>C. VCF-style: chr13-32332499-T-C. GRCh37 (hg19) VCF-style: chr13-32906636-T-C.
Other names: short protein forms C341R.
Identifiers: ClinVar variation 236828 (VCV000236828.40), dbSNP rs55833327, ClinGen allele CA6940483.

ClinVar aggregate classification (germline): Conflicting classifications of pathogenicity. Review status: criteria provided, conflicting classifications (1 of 4 stars). 13 submissions from 13 submitters: Uncertain significance (11); Likely benign (2). Last evaluated 2026-05-18.

Conditions:
Breast-ovarian cancer, familial, susceptibility to, 2 (BROVCA2). Also called: BRCA2 Hereditary Breast and Ovarian Cancer. Identifiers: Orphanet 145, MedGen C2675520, MONDO:0012933, OMIM 612555. Disease mechanism: loss of function.
Breast and/or ovarian cancer. Identifiers: MedGen CN221562.
Hereditary cancer-predisposing syndrome. Also called: Neoplastic Syndromes, Hereditary; Tumor predisposition; Hereditary Cancer Syndrome; Hereditary neoplastic syndrome. Identifiers: Orphanet 140162, MedGen C0027672, MeSH D009386, MONDO:0015356.
Familial cancer of breast. Also called: hereditary breast carcinoma; BREAST CANCER, FAMILIAL; Hereditary breast cancer. Identifiers: Orphanet 227535, MedGen C0346153, MONDO:0016419, OMIM 114480. Disease mechanism: loss of function.
Hereditary breast ovarian cancer syndrome. Also called: Hereditary breast and ovarian cancer; BRCA1- and BRCA2-Associated Hereditary Breast and Ovarian Cancer; Breast and ovarian cancer; Hereditary breast and ovarian cancer syndrome; Hereditary breast and ovarian cancer syndrome (HBOC); Hereditary breast and/or ovarian cancer syndrome. Identifiers: Orphanet 145, MedGen C0677776, MeSH D061325, MONDO:0003582. Disease mechanism: loss of function.

Allele frequency attached by ClinVar (database versions not stated): gnomAD exomes 0.00001 and below 0.00001; gnomAD 0.00006 and 0.00004; ExAC 0.00002; TOPMed 0.00006; ESP Exome Variant Server 0.00008.
gnomAD v4.1: 11 of 1,610,590 alleles (0.00068%); highest among the groups gnomAD compares: African/African-American, 0.013%; no homozygotes.

Submissions (13):

Women's Health and Genetics/Laboratory Corporation of America, LabCorp
Classification: Uncertain significance. Last evaluated: 2026-05-18. Review status: criteria provided, single submitter. Criteria: LabCorp Variant Classification Summary - May 2015. Collection method: clinical testing. Allele origin: germline.
Comment: Variant summary: BRCA2 c.1021T>C (p.Cys341Arg) results in a non-conservative amino acid change in the encoded protein sequence. Algorithms developed to predict the effect of missense changes on protein structure and function are either unavailable or do not agree on the potential impact of this missense change. The variant allele was found at a frequency of 1.2e-05 in 247644 control chromosomes. The available data on variant occurrences in the general population are insufficient to allow any conclusion about variant significance. c.1021T>C has been observed in individual(s) affected with BRCA2-related conditions, without strong evidence for causality (Davies_2018). These report(s) do not provide unequivocal conclusions about association of the variant with disease. To our knowledge, no experimental evidence demonstrating an impact on protein function has been reported. The following publication has been ascertained in the context of this evaluation (PMID: 28288110). ClinVar contains an entry for this variant (Variation ID: 236828). Based on the evidence outlined above, the variant was classified as uncertain significance.

Labcorp Genetics (formerly Invitae), Labcorp
Classification: Uncertain significance for Hereditary breast ovarian cancer syndrome. Last evaluated: 2026-02-03. Review status: criteria provided, single submitter. Criteria: Invitae Variant Classification Sherloc (09022015). Collection method: clinical testing. Allele origin: germline.
Comment: This sequence change replaces cysteine, which is neutral and slightly polar, with arginine, which is basic and polar, at codon 341 of the BRCA2 protein (p.Cys341Arg). This variant is present in population databases (rs55833327, gnomAD 0.03%). This missense change has been observed in individual(s) with breast cancer (PMID: 28288110). ClinVar contains an entry for this variant (Variation ID: 236828). Invitae Evidence Modeling of protein sequence and biophysical properties (such as structural, functional, and spatial information, amino acid conservation, physicochemical variation, residue mobility, and thermodynamic stability) indicates that this missense variant is not expected to disrupt BRCA2 protein function with a negative predictive value of 95%. In summary, the available evidence is currently insufficient to determine the role of this variant in disease. Therefore, it has been classified as a Variant of Uncertain Significance.

Ambry Genetics
Classification: Uncertain significance for Hereditary cancer-predisposing syndrome. Last evaluated: 2025-07-09. Review status: criteria provided, single submitter. Criteria: Ambry Variant Classification Scheme 2023. Collection method: clinical testing. Allele origin: germline.
Comment: The p.C341R variant (also known as c.1021T>C), located in coding exon 9 of the BRCA2 gene, results from a T to C substitution at nucleotide position 1021. The cysteine at codon 341 is replaced by arginine, an amino acid with highly dissimilar properties. This amino acid position is poorly conserved in available vertebrate species. In addition, this alteration is predicted to be tolerated by in silico analysis. Based on the available evidence, the clinical significance of this variant remains unclear.

St. Jude Molecular Pathology, St. Jude Children's Research Hospital
Classification: Uncertain significance for Breast-ovarian cancer, familial, susceptibility to, 2. Last evaluated: 2025-06-17. Review status: criteria provided, single submitter. Criteria: St. Jude Assertion Criteria 2020. Collection method: clinical testing. Allele origin: germline.
Comment: The BRCA2 c.1021T>C p.(Cys341Arg) missense change has a maximum subpopulation frequency of 0.024% in gnomAD v2.1.1. The in silico tool REVEL predicts a benign effect on protein function, but to our knowledge this prediction has not been confirmed by functional studies. To our knowledge, this variant has not been reported in individuals with BRCA2-related disease. In summary, the evidence currently available is insufficient to determine the clinical significance of this variant. It has therefore been classified as of uncertain significance.

All of Us Research Program, National Institutes of Health
Classification: Uncertain significance for Breast-ovarian cancer, familial, susceptibility to, 2. Last evaluated: 2023-12-18. Review status: criteria provided, single submitter. Criteria: ACMG Guidelines, 2015. Collection method: clinical testing. Allele origin: germline. Inheritance: Autosomal dominant inheritance. Observed: 1 variant allele, 1 heterozygote.
Comment: This missense variant replaces cysteine with arginine at codon 341 of the BRCA2 protein. Computational prediction suggests that this variant may not impact protein structure and function (internally defined REVEL score threshold <= 0.5, PMID: 27666373). To our knowledge, functional studies have not been reported for this variant. This variant has not been reported in individuals affected with BRCA2-related disorders in the literature. This variant has been identified in 6/279008 chromosomes in the general population by the Genome Aggregation Database (gnomAD). The available evidence is insufficient to determine the role of this variant in disease conclusively. Therefore, this variant is classified as a Variant of Uncertain Significance.

This study involves interpretation of variants in research participants for the purpose of population health screening. Participant phenotype was not available at the time of variant classification. Additional details can be found in publication PMID: 35346344, PMCID: PMC8962531

Color Diagnostics, LLC DBA Color Health
Classification: Uncertain significance for Hereditary cancer-predisposing syndrome. Last evaluated: 2023-11-22. Review status: criteria provided, single submitter. Criteria: ACMG Guidelines, 2015. Collection method: clinical testing. Allele origin: germline.
Comment: This missense variant replaces cysteine with arginine at codon 341 of the BRCA2 protein. Computational prediction suggests that this variant may not impact protein structure and function (internally defined REVEL score threshold <= 0.5, PMID: 27666373). To our knowledge, functional studies have not been reported for this variant. This variant has not been reported in individuals affected with BRCA2-related disorders in the literature. This variant has been identified in 6/279008 chromosomes in the general population by the Genome Aggregation Database (gnomAD). The available evidence is insufficient to determine the role of this variant in disease conclusively. Therefore, this variant is classified as a Variant of Uncertain Significance.

University of Washington Department of Laboratory Medicine, University of Washington
Classification: Likely benign for Hereditary cancer-predisposing syndrome. Last evaluated: 2023-03-23. Review status: criteria provided, single submitter. Criteria: Dines et al. (Genet Med. 2020). Collection method: curation. Allele origin: germline.
Comment: Missense variant in a coldspot region where missense variants are very unlikely to be pathogenic (PMID:31911673).

BRCA2 exon 10 coldspot. Reclassification based on statistical prior probability.

CHEO Genetics Diagnostic Laboratory, Children's Hospital of Eastern Ontario
Classification: Uncertain significance for Breast and/or ovarian cancer. Last evaluated: 2023-01-12. Review status: criteria provided, single submitter. Criteria: ACMG Guidelines, 2015. Collection method: clinical testing. Allele origin: germline.

Department of Pathology and Laboratory Medicine, Sinai Health System
Classification: Uncertain significance for Familial cancer of breast; Breast-ovarian cancer, familial, susceptibility to, 2. Last evaluated: 2022-03-21. Review status: criteria provided, single submitter. Criteria: ACMG Guidelines, 2015. Collection method: clinical testing. Allele origin: germline. Affected: yes.

GeneDx
Classification: Likely benign. Last evaluated: 2020-10-26. Review status: criteria provided, single submitter. Criteria: GeneDx Variant Classification Process June 2021. Collection method: clinical testing. Allele origin: germline. Affected: yes.
Comment: This variant is associated with the following publications: (PMID: 27135926)

Quest Diagnostics Nichols Institute San Juan Capistrano
Classification: Uncertain significance. Last evaluated: 2019-04-02. Review status: criteria provided, single submitter. Criteria: Quest Diagnostics criteria. Collection method: clinical testing. Allele origin: germline.

Eurofins Ntd Llc (ga)
Classification: Uncertain significance. Last evaluated: 2018-04-06. Review status: criteria provided, single submitter. Criteria: EGL ClinVar v180209 classification definitions. Collection method: clinical testing. Allele origin: germline. Observed: 1 variant allele, 1 heterozygote.

ARUP Laboratories, Molecular Genetics and Genomics, ARUP Laboratories
Classification: Uncertain significance. Last evaluated: 2016-10-07. Review status: criteria provided, single submitter. Criteria: ARUP Molecular Germline Variant Investigation Process. Collection method: clinical testing. Allele origin: germline.

Literature cited by the submitters: PubMed 28288110 (cited by 5 submitters).